The following is an entry in ClinVar:

ClinVar aggregate classification (germline): Likely benign (0 of 4 stars; one submission).

Conditions:
DAAM2-related disorder. Also called: DAAM2-related condition.

Allele frequency attached by ClinVar (database versions not stated): TOPMed 0.00002; gnomAD 0.00007; gnomAD exomes 0.00017; 1000 Genomes Project 30x 0.00031; ExAC 0.00038; 1000 Genomes Project 0.00040.
gnomAD v4.1: 247 of 1,603,130 alleles (0.015%); highest among the groups gnomAD compares: South Asian, 0.22%; 2 homozygotes.

Submission:

PreventionGenetics, part of Exact Sciences
Classification: Likely benign for DAAM2-related condition. Last evaluated: 2021-12-13. Review status: no assertion criteria provided. Collection method: clinical testing. Allele origin: germline.
Comment: This variant is classified as likely benign based on ACMG/AMP sequence variant interpretation guidelines (Richards et al. 2015 PMID: 25741868, with internal and published modifications).

NM_001201427.2(DAAM2):c.2742C>T (p.Ser914=)

Gene: DAAM2 (dishevelled associated activator of morphogenesis 2; plus strand). Cytogenetic location: 6p21.2.
Variant type: single nucleotide variant.
Coding change: c.2742C>T on transcript NM_001201427.2 (MANE Select); coding-DNA position 2742, C replaced by T.
Protein change: p.Ser914=; no amino-acid change (serine 914 retained).
Molecular consequence: synonymous variant.
Genome position (GRCh38, 1-based): chr6:39,900,139, C>T. VCF-style: chr6-39900139-C-T. GRCh37 (hg19) VCF-style: chr6-39867915-C-T.
Other names: c.2739C>T, p.Ser913= (NM_015345.4).
Identifiers: ClinVar variation 3048719 (VCV003048719.2), dbSNP rs199848168, ClinGen allele CA3795393.